The following is an entry in ClinVar:

ClinVar aggregate classification (germline): Uncertain significance (1 of 4 stars; one submission).

Conditions:
BAP1-related tumor predisposition syndrome (TPDS1). Also called: BAP1 tumor predisposition syndrome; Tumor susceptibility linked to germline BAP1 mutations; COMMON Syndrome; TUMOR PREDISPOSITION SYNDROME 1. Identifiers: Orphanet 289539, MedGen C3280492, MONDO:0013692, OMIM 614327.

Submission:

Labcorp Genetics (formerly Invitae), Labcorp
Classification: Uncertain significance for BAP1-related tumor predisposition syndrome. Last evaluated: 2022-07-25. Review status: criteria provided, single submitter. Criteria: Invitae Variant Classification Sherloc (09022015). Collection method: clinical testing. Allele origin: germline.
Comment: In summary, the available evidence is currently insufficient to determine the role of this variant in disease. Therefore, it has been classified as a Variant of Uncertain Significance. Studies have shown that this variant is associated with altered splicing resulting in multiple RNA products (Invitae). This variant has not been reported in the literature in individuals affected with BAP1-related conditions. This variant is not present in population databases (gnomAD no frequency). This sequence change falls in intron 3 of the BAP1 gene. It does not directly change the encoded amino acid sequence of the BAP1 protein.

NM_004656.4(BAP1):c.123-10C>G

Gene: BAP1 (BRCA1 associated deubiquitinase 1; minus strand). Cytogenetic location: 3p21.1.
Variant type: single nucleotide variant.
Coding change: c.123-10C>G on transcript NM_004656.4 (MANE Select); 10 bases into the intron before coding-DNA position 123, C replaced by G.
Molecular consequence: intron variant.
Genome position (GRCh38, 1-based): chr3:52,408,616, G>C on the plus strand (C>G on the coding strand, the complement: BAP1 is on the minus strand). VCF-style: chr3-52408616-G-C. GRCh37 (hg19) VCF-style: chr3-52442632-G-C.
Identifiers: ClinVar variation 1896697 (VCV001896697.5), dbSNP rs1420847667, ClinGen allele CA2580070315.